The following is an entry in ClinVar:

NM_198578.4(LRRK2):c.6764A>T (p.Lys2255Met)

Gene: LRRK2 (leucine rich repeat kinase 2; plus strand). Cytogenetic location: 12q12.
Variant type: single nucleotide variant.
Coding change: c.6764A>T on transcript NM_198578.4 (MANE Select); coding-DNA position 6764, A replaced by T.
Protein change: p.Lys2255Met; replaces lysine 2255 with methionine.
Molecular consequence: missense variant.
Genome position (GRCh38, 1-based): chr12:40,354,486, A>T. VCF-style: chr12-40354486-A-T. GRCh37 (hg19) VCF-style: chr12-40748288-A-T.
Other names: short protein forms K2255M.
Identifiers: ClinVar variation 1922059 (VCV001922059.6), dbSNP rs200762374, ClinGen allele CA6514744.
Genomic context (GRCh38, chr12:40,354,486, plus strand): 5'-GACATACCCTAGAAAAGATGACTGATTCTGTCACTTGTTTGTATTGCAATTCCTTTTCCA[A>T]GCAAAGGTATGGTAGTGAATTTGATCAATGGGGAAATTACAGATCTTTTAAACGACTGAA-3'
Protein context (NP_940980.4, residues 2245-2265): VTCLYCNSFS[Lys2255Met]QSKQKNFLLV

ClinVar aggregate classification (germline): Uncertain significance. Review status: criteria provided, multiple submitters, no conflicts (2 of 4 stars). 2 submissions from 2 submitters: Uncertain significance (2). Last evaluated 2024-09-11.

Conditions:
Autosomal dominant Parkinson disease 8. Also called: LRRK2-Related Parkinson Disease; Parkinson disease 8; Parkinson disease 8, susceptibility to. Identifiers: Orphanet 411602, MedGen C1846862, MONDO:0011764, OMIM 607060.

Allele frequency attached by ClinVar (database versions not stated): gnomAD 0.00001; TOPMed 0.00004; gnomAD exomes 0.00006; ExAC 0.00008.
gnomAD v4.1: 88 of 1,613,708 alleles (0.0055%); highest among the groups gnomAD compares: Middle Eastern, 0.18%; 1 homozygote.

Submissions (2):

Labcorp Genetics (formerly Invitae), Labcorp
Classification: Uncertain significance for Autosomal dominant Parkinson disease 8. Last evaluated: 2024-09-11. Review status: criteria provided, single submitter. Criteria: Invitae Variant Classification Sherloc (09022015). Collection method: clinical testing. Allele origin: germline.
Comment: This sequence change replaces lysine, which is basic and polar, with methionine, which is neutral and non-polar, at codon 2255 of the LRRK2 protein (p.Lys2255Met). This variant is present in population databases (rs200762374, gnomAD 0.01%), and has an allele count higher than expected for a pathogenic variant. This variant has not been reported in the literature in individuals affected with LRRK2-related conditions. ClinVar contains an entry for this variant (Variation ID: 1922059). Invitae Evidence Modeling of protein sequence and biophysical properties (such as structural, functional, and spatial information, amino acid conservation, physicochemical variation, residue mobility, and thermodynamic stability) indicates that this missense variant is not expected to disrupt LRRK2 protein function with a negative predictive value of 80%. In summary, the available evidence is currently insufficient to determine the role of this variant in disease. Therefore, it has been classified as a Variant of Uncertain Significance.

Fulgent Genetics
Classification: Uncertain significance for Autosomal dominant Parkinson disease 8. Last evaluated: 2024-06-10. Review status: criteria provided, single submitter. Criteria: ACMG Guidelines, 2015. Collection method: clinical testing. Allele origin: germline.